The following is an entry in ClinVar:

NM_006939.4(SOS2):c.3767C>A (p.Pro1256Gln)

Gene: SOS2 (SOS Ras/Rho guanine nucleotide exchange factor 2; minus strand). Cytogenetic location: 14q21.3.
Variant type: single nucleotide variant.
Coding change: c.3767C>A on transcript NM_006939.4 (MANE Select); coding-DNA position 3767, C replaced by A.
Protein change: p.Pro1256Gln; replaces proline 1256 with glutamine.
Molecular consequence: missense variant.
Genome position (GRCh38, 1-based): chr14:50,118,576, G>T on the plus strand (C>A on the coding strand, the complement: SOS2 is on the minus strand). VCF-style: chr14-50118576-G-T. GRCh37 (hg19) VCF-style: chr14-50585294-G-T.
Other names: c.3668C>A, p.Pro1223Gln (NM_001411020.1); short protein forms P1223Q, P1256Q.
Identifiers: ClinVar variation 2845550 (VCV002845550.3), dbSNP rs747726856, ClinGen allele CA389637910.

ClinVar aggregate classification (germline): Uncertain significance (1 of 4 stars; one submission).

Conditions:
Noonan syndrome 9 (NS9). Identifiers: Orphanet 648, MedGen C4225282, MONDO:0014691, OMIM 616559.

Submission:

Labcorp Genetics (formerly Invitae), Labcorp
Classification: Uncertain significance for Noonan syndrome 9. Last evaluated: 2023-03-14. Review status: criteria provided, single submitter. Criteria: Invitae Variant Classification Sherloc (09022015). Collection method: clinical testing. Allele origin: germline.
Comment: In summary, the available evidence is currently insufficient to determine the role of this variant in disease. Therefore, it has been classified as a Variant of Uncertain Significance. This sequence change replaces proline, which is neutral and non-polar, with glutamine, which is neutral and polar, at codon 1256 of the SOS2 protein (p.Pro1256Gln). This variant is not present in population databases (gnomAD no frequency). This variant has not been reported in the literature in individuals affected with SOS2-related conditions. An algorithm developed to predict the effect of missense changes on protein structure and function (PolyPhen-2) suggests that this variant is likely to be disruptive.